The following is an entry in ClinVar:

NM_000362.5(TIMP3):c.163G>A (p.Gly55Arg)

Genes: SYN3 (synapsin III; minus strand), TIMP3 (TIMP metallopeptidase inhibitor 3; plus strand). Cytogenetic location: 22q12.3.
Variant type: single nucleotide variant.
Coding change: c.163G>A on transcript NM_000362.5 (MANE Select); coding-DNA position 163, G replaced by A.
Protein change: p.Gly55Arg; replaces glycine 55 with arginine.
Molecular consequence: missense variant. On other transcripts: intron variant (7).
Genome position (GRCh38, 1-based): chr22:32,849,493, G>A. VCF-style: chr22-32849493-G-A. GRCh37 (hg19) VCF-style: chr22-33245480-G-A.
Other names: c.708+15422C>T (NM_001369909.1, NM_001135774.2, NM_001369910.1); c.711+15422C>T (NM_001369907.1, NM_003490.4, NM_001369908.1 and 1 more transcripts); short protein forms G55R.
Identifiers: ClinVar variation 2813621 (VCV002813621.3), dbSNP rs2545870917, ClinGen allele CA411539245.
Genomic context (GRCh38, chr22:32,849,493, plus strand): 5'-TCTCCTTCTGTCTCTGCAGTGATCCGGGCCAAGGTGGTGGGGAAGAAGCTGGTAAAGGAG[G>A]GGCCCTTCGGCACGCTGGTCTACACCATCAAGCAGATGAAGGTAGGTAATGTCATCACCC-3'
Protein context (NP_000353.1, residues 45-65): KVVGKKLVKE[Gly55Arg]PFGTLVYTIK

ClinVar aggregate classification (germline): Uncertain significance (1 of 4 stars; one submission).

Submission:

Labcorp Genetics (formerly Invitae), Labcorp
Classification: Uncertain significance. Last evaluated: 2022-11-11. Review status: criteria provided, single submitter. Criteria: Invitae Variant Classification Sherloc (09022015). Collection method: clinical testing. Allele origin: germline.
Comment: In summary, the available evidence is currently insufficient to determine the role of this variant in disease. Therefore, it has been classified as a Variant of Uncertain Significance. Algorithms developed to predict the effect of missense changes on protein structure and function are either unavailable or do not agree on the potential impact of this missense change (SIFT: "Deleterious"; PolyPhen-2: "Probably Damaging"; Align-GVGD: "Class C15"). This variant has not been reported in the literature in individuals affected with TIMP3-related conditions. This variant is not present in population databases (gnomAD no frequency). This sequence change replaces glycine, which is neutral and non-polar, with arginine, which is basic and polar, at codon 55 of the TIMP3 protein (p.Gly55Arg).